The following is an entry in ClinVar:

NM_000384.3(APOB):c.152A>G (p.Lys51Arg)

Genes: APOB (apolipoprotein B; minus strand), LOC106560211 (APOB 5' regulatory region; plus strand). Cytogenetic location: 2p24.1.
Variant type: single nucleotide variant.
Coding change: c.152A>G on transcript NM_000384.3 (MANE Select); coding-DNA position 152, A replaced by G.
Protein change: p.Lys51Arg; replaces lysine 51 with arginine.
Molecular consequence: missense variant.
Genome position (GRCh38, 1-based): chr2:21,042,446, T>C on the plus strand (A>G on the coding strand, the complement: APOB is on the minus strand). VCF-style: chr2-21042446-T-C. GRCh37 (hg19) VCF-style: chr2-21265318-T-C.
Other names: short protein forms K51R.
Identifiers: ClinVar variation 926075 (VCV000926075.7), dbSNP rs764776276, ClinGen allele CA053879.

ClinVar aggregate classification (germline): Conflicting classifications of pathogenicity. Review status: criteria provided, conflicting classifications (1 of 4 stars). 3 submissions from 3 submitters: Uncertain significance (2); Likely benign (1). Last evaluated 2026-07-01.

Conditions:
Hypercholesterolemia, autosomal dominant, type B (FHCL2). Also called: APOLIPOPROTEIN B-100, FAMILIAL DEFECTIVE; APOLIPOPROTEIN B-100, FAMILIAL LIGAND-DEFECTIVE; Familial hypercholesterolemia 2; Familial Hypercholesterolemia Type B; Hyperlipoproteinemia Type IIb; APOB-Related Familial Hypercholesterolemia, Autosomal Dominant. Identifiers: MedGen C1704417, MONDO:0007751, OMIM 144010.
Familial hypobetalipoproteinemia 1. Also called: APOB-Related Familial Hypobetalipoproteinemia; Hypobetalipoproteinemia, normotriglyceridemic; Acanthocytosis with hypobetalipoproteinemia. Identifiers: MedGen C4551990, MONDO:0014252, OMIM 615558.
Familial hypercholesterolemia. Also called: Familial hypercholesterolemias; Familial hypercholesterolaemia. Identifiers: MedGen C0020445, MONDO:0005439.

Allele frequency attached by ClinVar (database versions not stated): ExAC 0.00001; gnomAD 0.00001; gnomAD exomes 0.00001 and 0.00002; TOPMed 0.00001.
gnomAD v4.1: 22 of 1,614,068 alleles (0.0014%); highest among the groups gnomAD compares: Non-Finnish European, 0.0018%; no homozygotes.

Submissions (3):

Cambridge Genomics Laboratory, East Genomic Laboratory Hub, NHS Genomic Medicine Service
Classification: Uncertain significance for Familial hypercholesterolaemia. Last evaluated: 2026-07-01. Review status: criteria provided, single submitter. Criteria: ACGS Best Practice Guidelines for Variant Classification in Rare Disease 2020. Collection method: clinical testing. Allele origin: germline. Affected: yes.
Comment: PM2_Supporting,PP4

Labcorp Genetics (formerly Invitae), Labcorp
Classification: Likely benign for Familial hypobetalipoproteinemia 1; Hypercholesterolemia, autosomal dominant, type B. Last evaluated: 2025-09-08. Review status: criteria provided, single submitter. Criteria: Invitae Variant Classification Sherloc (09022015). Collection method: clinical testing. Allele origin: germline.

Color Diagnostics, LLC DBA Color Health
Classification: Uncertain significance for Familial hypercholesterolemia. Last evaluated: 2019-09-09. Review status: criteria provided, single submitter. Criteria: ACMG Guidelines, 2015. Collection method: clinical testing. Allele origin: germline.
Comment: This missense variant (also known as p.Lys24Arg in the mature protein) replaces lysine with arginine at codon 51 of the APOB protein. Computational prediction tools and conservation analyses are inconclusive regarding the impact of this variant on protein structure and function. Splice site prediction tools suggest that this variant may not impact RNA splicing. To our knowledge, functional studies have not been performed for this variant. This variant has not been reported in individuals affected with familial hypercholesterolemia in the literature. This variant has been identified in 6/282894 chromosomes in the general population by the Genome Aggregation Database (gnomAD). The available evidence is insufficient to determine the role of this variant in disease conclusively. Therefore, this variant is classified as a Variant of Uncertain Significance.